The following is an entry in ClinVar:

NM_020937.4(FANCM):c.2489T>C (p.Ile830Thr)

Gene: FANCM (FA complementation group M; plus strand). Cytogenetic location: 14q21.2.
Variant type: single nucleotide variant.
Coding change: c.2489T>C on transcript NM_020937.4 (MANE Select); coding-DNA position 2489, T replaced by C.
Protein change: p.Ile830Thr; replaces isoleucine 830 with threonine.
Molecular consequence: missense variant.
Genome position (GRCh38, 1-based): chr14:45,175,243, T>C. VCF-style: chr14-45175243-T-C. GRCh37 (hg19) VCF-style: chr14-45644446-T-C.
Other names: c.2411T>C, p.Ile804Thr (NM_001308133.2); c.2489T>C (NM_020937.3); short protein forms I804T, I830T.
Identifiers: ClinVar variation 1307934 (VCV001307934.5), dbSNP rs1304809213, ClinGen allele CA389597957.

ClinVar aggregate classification (germline): Conflicting classifications of pathogenicity. Review status: criteria provided, conflicting classifications (1 of 4 stars). 3 submissions from 3 submitters: Uncertain significance (2); Likely benign (1). Last evaluated 2025-01-07.

Conditions:
Inborn genetic diseases. Identifiers: MedGen C0950123, MeSH D030342.

Allele frequency attached by ClinVar (database versions not stated): gnomAD exomes below 0.00001.
gnomAD v4.1: 4 of 1,609,996 alleles (0.00025%); highest among the groups gnomAD compares: South Asian, 0.0011%; no homozygotes.

Submissions (3):

Ambry Genetics
Classification: Likely benign for Inborn genetic diseases. Last evaluated: 2025-01-07. Review status: criteria provided, single submitter. Criteria: Ambry Variant Classification Scheme 2023. Collection method: clinical testing. Allele origin: germline.

Quest Diagnostics Nichols Institute San Juan Capistrano
Classification: Uncertain significance. Last evaluated: 2024-03-05. Review status: criteria provided, single submitter. Criteria: Quest Diagnostics criteria. Collection method: clinical testing. Allele origin: unknown.
Comment: The FANCM c.2489T>C (p.Ile830Thr) variant has not been reported in individuals with FANCM-related conditions in the published literature. The frequency of this variant in the general population, 0.000004 (1/247668 chromosomes (Genome Aggregation Database)), is uninformative in the assessment of its pathogenicity. Analysis of this variant using bioinformatics tools for the prediction of the effect of amino acid changes on protein structure and function yielded predictions that this variant is benign. Based on the available information, we are unable to determine the clinical significance of this variant.

GeneDx
Classification: Uncertain significance. Last evaluated: 2024-03-01. Review status: criteria provided, single submitter. Criteria: GeneDx Variant Classification Process June 2021. Collection method: clinical testing. Allele origin: germline. Affected: yes.
Comment: Not observed at significant frequency in large population cohorts (gnomAD); In silico analysis supports that this missense variant does not alter protein structure/function; Has not been previously published as pathogenic or benign to our knowledge